The following is an entry in ClinVar:

ClinVar aggregate classification (germline): Conflicting classifications of pathogenicity. Review status: criteria provided, conflicting classifications (1 of 4 stars). 2 submissions from 2 submitters: Uncertain significance (1); Likely benign (1). Last evaluated 2025-11-12.

Conditions:
Inborn genetic diseases. Identifiers: MedGen C0950123, MeSH D030342.

Allele frequency attached by ClinVar (database versions not stated): ExAC 0.00004; TOPMed 0.00002; ESP Exome Variant Server 0.00008.
gnomAD v4.1: 41 of 1,613,776 alleles (0.0025%); highest among the groups gnomAD compares: Non-Finnish European, 0.0033%; no homozygotes.

Submissions (2):

Labcorp Genetics (formerly Invitae), Labcorp
Classification: Uncertain significance. Last evaluated: 2025-11-12. Review status: criteria provided, single submitter. Criteria: Invitae Variant Classification Sherloc (09022015). Collection method: clinical testing. Allele origin: germline.
Comment: This sequence change replaces proline, which is neutral and non-polar, with leucine, which is neutral and non-polar, at codon 483 of the AUTS2 protein (p.Pro483Leu). This variant is present in population databases (rs369919917, gnomAD 0.003%). This variant has not been reported in the literature in individuals affected with AUTS2-related conditions. ClinVar contains an entry for this variant (Variation ID: 2984303). Invitae Evidence Modeling of protein sequence and biophysical properties (such as structural, functional, and spatial information, amino acid conservation, physicochemical variation, residue mobility, and thermodynamic stability) has been performed for this missense variant. However, the output from this modeling did not meet the statistical confidence thresholds required to predict the impact of this variant on AUTS2 protein function. In summary, the available evidence is currently insufficient to determine the role of this variant in disease. Therefore, it has been classified as a Variant of Uncertain Significance.

Ambry Genetics
Classification: Likely benign for Inborn genetic diseases. Last evaluated: 2025-09-08. Review status: criteria provided, single submitter. Criteria: Ambry Variant Classification Scheme 2023. Collection method: clinical testing. Allele origin: germline.

NM_015570.4(AUTS2):c.1448C>T (p.Pro483Leu)

Gene: AUTS2 (activator of transcription and developmental regulator AUTS2; plus strand). Cytogenetic location: 7q11.22.
Variant type: single nucleotide variant.
Coding change: c.1448C>T on transcript NM_015570.4 (MANE Select); coding-DNA position 1448, C replaced by T.
Protein change: p.Pro483Leu; replaces proline 483 with leucine.
Molecular consequence: missense variant.
Genome position (GRCh38, 1-based): chr7:70,764,985, C>T. VCF-style: chr7-70764985-C-T. GRCh37 (hg19) VCF-style: chr7-70229971-C-T.
Other names: c.1448C>T, p.Pro483Leu (NM_001127231.3); c.1448C>T (NM_015570.2); short protein forms P483L.
Identifiers: ClinVar variation 2984303 (VCV002984303.4), dbSNP rs369919917, ClinGen allele CA4280644.
Genomic context (GRCh38, chr7:70,764,985, plus strand): 5'-CCACTGCTCTGCCTCCTCCACCACCACTGACATCAGGAAGTCTGCAGGTGGCCGGACACC[C>T]GGCCGGGAGCACTTACTCAGGTAGGACGGAGGGGCCTGTGCTCGTGACCCCGACCCCCAC-3'
Protein context (NP_056385.1, residues 473-493): TSGSLQVAGH[Pro483Leu]AGSTYSEQDI